The following is an entry in ClinVar:

ClinVar aggregate classification (germline): Conflicting classifications of pathogenicity. Review status: criteria provided, conflicting classifications (1 of 4 stars). 3 submissions from 3 submitters: Uncertain significance (2); Likely benign (1). Last evaluated 2025-01-07.

Allele frequency attached by ClinVar (database versions not stated): 1000 Genomes Project 30x 0.00031; 1000 Genomes Project 0.00040; gnomAD 0.00044; ESP Exome Variant Server 0.00108.
gnomAD v4.1: 1,100 of 1,613,760 alleles (0.068%); highest among the groups gnomAD compares: Non-Finnish European, 0.084%; no homozygotes.

Submissions (3):

Ambry Genetics
Classification: Uncertain significance. Last evaluated: 2025-01-07. Review status: criteria provided, single submitter. Criteria: Ambry Variant Classification Scheme 2023. Collection method: clinical testing. Allele origin: germline.

Blueprint Genetics
Classification: Likely benign. Last evaluated: 2024-10-23. Review status: criteria provided, single submitter. Criteria: ACMG Guidelines, 2015. Collection method: clinical testing. Allele origin: germline.

Labcorp Genetics (formerly Invitae), Labcorp
Classification: Uncertain significance. Last evaluated: 2022-10-27. Review status: criteria provided, single submitter. Criteria: Invitae Variant Classification Sherloc (09022015). Collection method: clinical testing. Allele origin: germline.
Comment: In summary, the available evidence is currently insufficient to determine the role of this variant in disease. Therefore, it has been classified as a Variant of Uncertain Significance. Algorithms developed to predict the effect of missense changes on protein structure and function are either unavailable or do not agree on the potential impact of this missense change (SIFT: "Deleterious"; PolyPhen-2: "Benign"; Align-GVGD: "Class C0"). This variant has not been reported in the literature in individuals affected with STEAP3-related conditions. This variant is present in population databases (rs138657061, gnomAD 0.1%), and has an allele count higher than expected for a pathogenic variant. This sequence change replaces arginine, which is basic and polar, with cysteine, which is neutral and slightly polar, at codon 63 of the STEAP3 protein (p.Arg63Cys).

NM_182915.3(STEAP3):c.217C>T (p.Arg73Cys)

Genes: STEAP3 (STEAP3 metalloreductase; plus strand), STEAP3-AS1 (STEAP3 antisense RNA 1; minus strand). Cytogenetic location: 2q14.2.
Variant type: single nucleotide variant.
Coding change: c.217C>T on transcript NM_182915.3 (MANE Select); coding-DNA position 217, C replaced by T.
Protein change: p.Arg73Cys; replaces arginine 73 with cysteine.
Molecular consequence: missense variant. On other transcripts: non-coding transcript variant (1).
Genome position (GRCh38, 1-based): chr2:119,245,683, C>T. VCF-style: chr2-119245683-C-T. GRCh37 (hg19) VCF-style: chr2-120003259-C-T.
Other names: c.187C>T, p.Arg63Cys (NM_001008410.2, NM_018234.3, NM_138637.3); short protein forms R73C, R63C.
Identifiers: ClinVar variation 2238826 (VCV002238826.7), dbSNP rs138657061, ClinGen allele CA1846544.
Genomic context (GRCh38, chr2:119,245,683, plus strand): 5'-CTGGCCACACGCCTGGTGGGCTCTGGCTTCAAAGTGGTGGTGGGGAGCCGCAACCCCAAA[C>T]GCACAGCCAGGCTGTTTCCCTCAGCGGCCCAAGTGACTTTCCAAGAGGAGGCAGTGAGCT-3'
Protein context (NP_878919.2, residues 63-83): KVVVGSRNPK[Arg73Cys]TARLFPSAAQ